The following is an entry in ClinVar:

NM_000093.5(COL5A1):c.368A>G (p.Gln123Arg)

Gene: COL5A1 (collagen type V alpha 1 chain; plus strand). Cytogenetic location: 9q34.3.
Variant type: single nucleotide variant.
Coding change: c.368A>G on transcript NM_000093.5 (MANE Select); coding-DNA position 368, A replaced by G.
Protein change: p.Gln123Arg; replaces glutamine 123 with arginine.
Molecular consequence: missense variant.
Genome position (GRCh38, 1-based): chr9:134,699,999, A>G. VCF-style: chr9-134699999-A-G. GRCh37 (hg19) VCF-style: chr9-137591845-A-G.
Other names: c.368A>G (NM_000093.3); c.368A>G, p.Gln123Arg (NM_001278074.1); short protein forms Q123R.
Identifiers: ClinVar variation 1393917 (VCV001393917.11), dbSNP rs771075651, ClinGen allele CA5318286.

ClinVar aggregate classification (germline): Conflicting classifications of pathogenicity. Review status: criteria provided, conflicting classifications (1 of 4 stars). 3 submissions from 3 submitters: Uncertain significance (2); Benign (1). Last evaluated 2026-09-06.

Conditions:
Ehlers-Danlos syndrome, classic type, 1 (EDSCL1). Also called: Ehlers-Danlos Syndrome, Classic Type, COL5A1-Related; Ehlers-Danlos syndrome, type 1; EDS I; EHLERS-DANLOS SYNDROME, GRAVIS TYPE; EHLERS-DANLOS SYNDROME, SEVERE CLASSIC TYPE. Identifiers: MedGen C0268335, MONDO:0019567, OMIM 130000.
Familial thoracic aortic aneurysm and aortic dissection (TAAD). Also called: Thoracic aortic aneurysms and dissections. Identifiers: Orphanet 91387, MedGen C4707243, MONDO:0019625.

Allele frequency attached by ClinVar (database versions not stated): ExAC 0.00001; gnomAD exomes 0.00001 and 0.00002.
gnomAD v4.1: 24 of 1,613,860 alleles (0.0015%); highest among the groups gnomAD compares: Non-Finnish European, 0.002%; no homozygotes.

Submissions (3):

Ambry Genetics
Classification: Uncertain significance for Familial thoracic aortic aneurysm and aortic dissection. Last evaluated: 2026-09-06. Review status: criteria provided, single submitter. Criteria: Ambry Variant Classification Scheme 2023. Collection method: clinical testing. Allele origin: germline.
Comment: The p.Q123R variant (also known as c.368A>G), located in coding exon 3 of the COL5A1 gene, results from an A to G substitution at nucleotide position 368. The glutamine at codon 123 is replaced by arginine, an amino acid with highly similar properties. This amino acid position is conserved. In addition, this alteration is predicted to be tolerated by in silico analysis. Based on the available evidence, the clinical significance of this variant remains unclear.

GeneDx
Classification: Uncertain significance. Last evaluated: 2026-03-31. Review status: criteria provided, single submitter. Criteria: GeneDx Variant Classification Process June 2021. Collection method: clinical testing. Allele origin: germline.
Comment: In silico analysis suggests that this missense variant does not alter protein structure/function; Has not been previously published as pathogenic or benign to our knowledge; Not located in the triple helical region, where the majority of pathogenic missense variants occur (PMID: 22696272; HGMD); This variant is associated with the following publications: (PMID: 22696272)

Labcorp Genetics (formerly Invitae), Labcorp
Classification: Benign for Ehlers-Danlos syndrome, classic type, 1. Last evaluated: 2025-05-04. Review status: criteria provided, single submitter. Criteria: Invitae Variant Classification Sherloc (09022015). Collection method: clinical testing. Allele origin: germline.